The following is an entry in ClinVar:

ClinVar aggregate classification (germline): Uncertain significance (1 of 4 stars; one submission).

Conditions:
Hereditary cancer-predisposing syndrome. Also called: Neoplastic Syndromes, Hereditary; Tumor predisposition; Hereditary neoplastic syndrome; Hereditary Cancer Syndrome. Identifiers: Orphanet 140162, MedGen C0027672, MeSH D009386, MONDO:0015356.

Submission:

Ambry Genetics
Classification: Uncertain significance for Hereditary cancer-predisposing syndrome. Last evaluated: 2026-06-16. Review status: criteria provided, single submitter. Criteria: Ambry Variant Classification Scheme 2023. Collection method: clinical testing. Allele origin: germline.
Comment: The c.216-3A>G intronic variant results from an A to G substitution 3 nucleotides upstream from coding exon 3 in the BARD1 gene. This nucleotide position is well conserved in available vertebrate species. In silico splice site analysis predicts that this alteration will weaken the native splice acceptor site and will result in the creation or strengthening of a novel splice acceptor site; however, direct evidence is insufficient at this time (Ambry internal data). Based on the available evidence, the clinical significance of this variant remains unclear.

NM_000465.4(BARD1):c.216-3A>G

Gene: BARD1 (BRCA1 associated RING domain 1; minus strand). Cytogenetic location: 2q35.
Variant type: single nucleotide variant.
Coding change: c.216-3A>G on transcript NM_000465.4 (MANE Select); 3 bases into the intron before coding-DNA position 216, A replaced by G.
Molecular consequence: intron variant.
Genome position (GRCh38, 1-based): chr2:214,792,448, T>C on the plus strand (A>G on the coding strand, the complement: BARD1 is on the minus strand). VCF-style: chr2-214792448-T-C. GRCh37 (hg19) VCF-style: chr2-215657172-T-C.
Other names: c.158+16964A>G (NM_001282548.2); c.159-3A>G (NM_001282543.2); c.215+4613A>G (NM_001282545.2); c.216-3A>G (NM_001282549.2).
Identifiers: ClinVar variation 5032771 (VCV005032771.1).